The following is an entry in ClinVar:

NM_030665.4(RAI1):c.1538A>G (p.Gln513Arg)

Gene: RAI1 (retinoic acid induced 1; plus strand). Cytogenetic location: 17p11.2.
Variant type: single nucleotide variant.
Coding change: c.1538A>G on transcript NM_030665.4 (MANE Select); coding-DNA position 1538, A replaced by G.
Protein change: p.Gln513Arg; replaces glutamine 513 with arginine.
Molecular consequence: missense variant.
Genome position (GRCh38, 1-based): chr17:17,794,486, A>G. VCF-style: chr17-17794486-A-G. GRCh37 (hg19) VCF-style: chr17-17697800-A-G.
Other names: short protein forms Q513R.
Identifiers: ClinVar variation 444402 (VCV000444402.60), dbSNP rs147091667, ClinGen allele CA8418354.

ClinVar aggregate classification (germline): Conflicting classifications of pathogenicity. Review status: criteria provided, conflicting classifications (1 of 4 stars). 7 submissions from 7 submitters: Uncertain significance (2); Benign (1); Likely benign (3). 1 of the submissions does not count toward it. Last evaluated 2026-02-03.

Conditions:
Inborn genetic diseases. Identifiers: MedGen C0950123, MeSH D030342.
RAI1-related disorder. Also called: RAI1-related condition.

Allele frequency attached by ClinVar (database versions not stated): TOPMed 0.00024; ESP Exome Variant Server 0.00038; 1000 Genomes Project 30x 0.00047; gnomAD 0.00058 and 0.00062; 1000 Genomes Project 0.00060; gnomAD exomes 0.00063 and 0.00066; ExAC 0.00073.
gnomAD v4.1: 1,007 of 1,611,970 alleles (0.062%); highest among the groups gnomAD compares: Non-Finnish European, 0.06%; 1 homozygote.

Submissions (7):

Labcorp Genetics (formerly Invitae), Labcorp
Classification: Benign. Last evaluated: 2026-02-03. Review status: criteria provided, single submitter. Criteria: Invitae Variant Classification Sherloc (09022015). Collection method: clinical testing. Allele origin: germline.

Blueprint Genetics
Classification: Likely benign. Last evaluated: 2024-10-18. Review status: criteria provided, single submitter. Criteria: ACMG Guidelines, 2015. Collection method: clinical testing. Allele origin: germline.

GeneDx
Classification: Likely benign. Last evaluated: 2020-06-22. Review status: criteria provided, single submitter. Criteria: GeneDx Variant Classification Process June 2021. Collection method: clinical testing. Allele origin: germline. Affected: yes.

Ambry Genetics
Classification: Likely benign for Inborn genetic diseases. Last evaluated: 2017-04-27. Review status: criteria provided, single submitter. Criteria: Ambry Variant Classification Scheme 2023. Collection method: clinical testing. Allele origin: germline.

CeGaT Center for Human Genetics Tuebingen
Classification: Uncertain significance. Last evaluated: 2017-04-01. Review status: criteria provided, single submitter. Criteria: CeGaT Center For Human Genetics Tuebingen Variant Classification Criteria Version 2. Collection method: clinical testing. Allele origin: germline. Affected: yes. Observed: 1 variant allele.

Eurofins Ntd Llc (ga)
Classification: Uncertain significance. Last evaluated: 2016-11-23. Review status: criteria provided, single submitter. Criteria: EGL Classification Definitions 2015. Collection method: clinical testing. Allele origin: germline. Observed: 1 variant allele, 1 heterozygote.

PreventionGenetics, part of Exact Sciences
Classification: Likely benign for RAI1-related condition. Last evaluated: 2019-09-19. Review status: no assertion criteria provided. Collection method: clinical testing. Allele origin: germline. Not counted in ClinVar's aggregate classification.
Comment: This variant is classified as likely benign based on ACMG/AMP sequence variant interpretation guidelines (Richards et al. 2015 PMID: 25741868, with internal and published modifications).